The following is an entry in ClinVar:

ClinVar aggregate classification (germline): Uncertain significance (1 of 4 stars; one submission).

Allele frequency attached by ClinVar (database versions not stated): gnomAD exomes below 0.00001; gnomAD 0.00001; TOPMed 0.00001; ExAC 0.00002.
gnomAD v4.1: 2 of 1,612,498 alleles (0.00012%); highest among the groups gnomAD compares: African/African-American, 0.0027%; no homozygotes.

Submission:

Labcorp Genetics (formerly Invitae), Labcorp
Classification: Uncertain significance. Last evaluated: 2022-08-09. Review status: criteria provided, single submitter. Criteria: Invitae Variant Classification Sherloc (09022015). Collection method: clinical testing. Allele origin: germline.
Comment: In summary, the available evidence is currently insufficient to determine the role of this variant in disease. Therefore, it has been classified as a Variant of Uncertain Significance. Variants that disrupt the consensus splice site are a relatively common cause of aberrant splicing (PMID: 17576681, 9536098). Algorithms developed to predict the effect of missense changes on protein structure and function (SIFT, PolyPhen-2, Align-GVGD) all suggest that this variant is likely to be disruptive. This variant has not been reported in the literature in individuals affected with SRCAP-related conditions. This variant is present in population databases (rs762723574, gnomAD 0.01%). This sequence change replaces arginine, which is basic and polar, with lysine, which is basic and polar, at codon 2165 of the SRCAP protein (p.Arg2165Lys). This variant also falls at the last nucleotide of exon 29, which is part of the consensus splice site for this exon.

Literature cited by the submitters: PubMed 17576681; PubMed 9536098.

NM_006662.3(SRCAP):c.6494G>A (p.Arg2165Lys)

Gene: SRCAP (Snf2 related CREBBP activator protein; plus strand). Cytogenetic location: 16p11.2.
Variant type: single nucleotide variant.
Coding change: c.6494G>A on transcript NM_006662.3 (MANE Select); coding-DNA position 6494, G replaced by A.
Protein change: p.Arg2165Lys; replaces arginine 2165 with lysine.
Molecular consequence: missense variant.
Genome position (GRCh38, 1-based): chr16:30,733,798, G>A. VCF-style: chr16-30733798-G-A. GRCh37 (hg19) VCF-style: chr16-30745119-G-A.
Other names: short protein forms R2165K.
Identifiers: ClinVar variation 2044951 (VCV002044951.4), dbSNP rs762723574, ClinGen allele CA8012228.
Genomic context (GRCh38, chr16:30,733,798, plus strand): 5'-ATGCTCAGGCCCAGGACCGCTGTCACCGAATTGGCCAGACCCGGGATGTCCACATATATA[G>A]GTATTGCCTAGTCTTCCCTCACCTTACTTTCCGTTTACTGATGGGGTTTCCTGGATATAT-3'
Protein context (NP_006653.2, residues 2155-2175): IGQTRDVHIY[Arg2165Lys]LISERTVEEN